The following is an entry in ClinVar:

NM_021939.4(FKBP10):c.506G>C (p.Arg169Pro)

Gene: FKBP10 (FKBP prolyl isomerase 10; plus strand). Cytogenetic location: 17q21.2.
Variant type: single nucleotide variant.
Coding change: c.506G>C on transcript NM_021939.4 (MANE Select); coding-DNA position 506, G replaced by C.
Protein change: p.Arg169Pro; replaces arginine 169 with proline.
Molecular consequence: missense variant.
Genome position (GRCh38, 1-based): chr17:41,818,203, G>C. VCF-style: chr17-41818203-G-C. GRCh37 (hg19) VCF-style: chr17-39974455-G-C.
Other names: short protein forms R169P.
Identifiers: ClinVar variation 423179 (VCV000423179.2), dbSNP rs782237729, ClinGen allele CA8566259.

ClinVar aggregate classification (germline): Uncertain significance (1 of 4 stars; one submission).

gnomAD v4.1: 4 of 1,613,434 alleles (0.00025%); highest among the groups gnomAD compares: East Asian, 0.0045%; no homozygotes.

Submission:

GeneDx
Classification: Uncertain significance. Last evaluated: 2017-02-07. Review status: criteria provided, single submitter. Criteria: GeneDx Variant Classification (06012015). Collection method: clinical testing. Allele origin: germline. Affected: yes.
Comment: The R169P variant in the FKBP10 gene has not been reported previously as a pathogenic variant, noras a benign variant, to our knowledge. The R169P variant is not observed at a significant frequency inlarge population cohorts (Lek et al., 2016; 1000 Genomes Consortium et al., 2015; Exome VariantServer). The R169P variant is a non-conservative amino acid substitution, which occurs at a positionthat is conserved across species. In silico analysis predicts this variant is probably damaging to theprotein structure/function. We interpret R169P as a variant of uncertain significance.